The following is an entry in ClinVar:

ClinVar aggregate classification (germline): Pathogenic (1 of 4 stars; one submission).

Conditions:
Duchenne muscular dystrophy (DMD). Also called: MUSCULAR DYSTROPHY, PSEUDOHYPERTROPHIC PROGRESSIVE, DUCHENNE TYPE; Duchenne Muscular Dystrophy (DMD). Identifiers: Orphanet 98896, MedGen C0013264, MONDO:0010679, OMIM 310200.

gnomAD v4.1: 1 of 1,208,868 alleles (0.000083%); highest among the groups gnomAD compares: Non-Finnish European, 0.00011%; no homozygotes.

Submission:

Labcorp Genetics (formerly Invitae), Labcorp
Classification: Pathogenic for Duchenne muscular dystrophy. Last evaluated: 2022-03-09. Review status: criteria provided, single submitter. Criteria: Invitae Variant Classification Sherloc (09022015). Collection method: clinical testing. Allele origin: germline.
Comment: For these reasons, this variant has been classified as Pathogenic. Algorithms developed to predict the effect of sequence changes on RNA splicing suggest that this variant may disrupt the consensus splice site. ClinVar contains an entry for this variant (Variation ID: 1070319). Disruption of this splice site has been observed in individuals with DMD-related conditions (PMID: 8789442, 25163546, 27290639, 27593222). This variant is not present in population databases (gnomAD no frequency). This sequence change affects a donor splice site in intron 1 of the DMD gene. It is expected to disrupt RNA splicing. Variants that disrupt the donor or acceptor splice site typically lead to a loss of protein function (PMID: 16199547), and loss-of-function variants in DMD are known to be pathogenic (PMID: 16770791, 25007885).

Literature cited by the submitters: PubMed 8789442; PubMed 25163546; PubMed 27290639; PubMed 27593222; PubMed 16199547; PubMed 16770791; PubMed 25007885.

NM_004006.3(DMD):c.31+1G>A

Gene: DMD (dystrophin; minus strand). Cytogenetic location: Xp21.1.
Variant type: single nucleotide variant.
Coding change: c.31+1G>A on transcript NM_004006.3 (MANE Select); the canonical splice donor site of the intron after coding-DNA position 31, G replaced by A.
Molecular consequence: splice donor variant. On other transcripts: intron variant (1).
Genome position (GRCh38, 1-based): chrX:33,211,281, C>T on the plus strand (G>A on the coding strand, the complement: DMD is on the minus strand). VCF-style: chrX-33211281-C-T. GRCh37 (hg19) VCF-style: chrX-33229398-C-T.
Other names: c.7+127978G>A (NM_000109.4).
Identifiers: ClinVar variation 1070319 (VCV001070319.9), dbSNP rs398123923, ClinGen allele CA412675098.